The following is an entry in ClinVar:

NM_015378.4(VPS13D):c.6282G>A (p.Thr2094=)

Gene: VPS13D (vacuolar protein sorting 13 homolog D; plus strand). Cytogenetic location: 1p36.22.
Variant type: single nucleotide variant.
Coding change: c.6282G>A on transcript NM_015378.4 (MANE Select); coding-DNA position 6282, G replaced by A.
Protein change: p.Thr2094=; no amino-acid change (threonine 2094 retained).
Molecular consequence: synonymous variant.
Genome position (GRCh38, 1-based): chr1:12,304,571, G>A. VCF-style: chr1-12304571-G-A. GRCh37 (hg19) VCF-style: chr1-12364628-G-A.
Other names: p.Thr2094=; c.6282G>A, p.Thr2094= (NM_018156.4).
Identifiers: ClinVar variation 775514 (VCV000775514.23), dbSNP rs111417481, ClinGen allele CA602555.

ClinVar aggregate classification (germline): Benign/Likely benign. Review status: criteria provided, multiple submitters, no conflicts (2 of 4 stars). 6 submissions from 6 submitters: Benign (3); Likely benign (2). 1 of the submissions does not count toward it. Last evaluated 2025-12-15.

Conditions:
VPS13D-related disorder. Also called: VPS13D-related condition.

Allele frequency attached by ClinVar (database versions not stated): gnomAD exomes 0.00038 and 0.00066; 1000 Genomes Project 30x 0.00047; 1000 Genomes Project 0.00060; ExAC 0.00068; gnomAD 0.00219 and 0.00223; TOPMed 0.00251; ESP Exome Variant Server 0.00323.
gnomAD v4.1: 928 of 1,614,064 alleles (0.057%); highest among the groups gnomAD compares: African/African-American, 0.72%; 10 homozygotes.

Submissions (6):

Labcorp Genetics (formerly Invitae), Labcorp
Classification: Benign. Last evaluated: 2025-12-15. Review status: criteria provided, single submitter. Criteria: Invitae Variant Classification Sherloc (09022015). Collection method: clinical testing. Allele origin: germline.

CeGaT Center for Human Genetics Tuebingen
Classification: Likely benign. Last evaluated: 2025-08-01. Review status: criteria provided, single submitter. Criteria: CeGaT Center For Human Genetics Tuebingen Variant Classification Criteria Version 2. Collection method: clinical testing. Allele origin: germline. Affected: yes. Observed: 3 variant alleles.
Comment: VPS13D: BP4, BP7

Mayo Clinic Laboratories, Mayo Clinic
Classification: Benign. Last evaluated: 2024-12-30. Review status: criteria provided, single submitter. Criteria: ACMG Guidelines, 2015. Collection method: clinical testing. Allele origin: germline. Observed: 3 variant alleles.
Comment: BS1, BS2, BP4, BP7

Blueprint Genetics
Classification: Likely benign. Last evaluated: 2024-10-22. Review status: criteria provided, single submitter. Criteria: ACMG Guidelines, 2015. Collection method: clinical testing. Allele origin: germline.

Breakthrough Genomics
Classification: Benign. Review status: criteria provided, single submitter. Criteria: ACMG Guidelines, 2015. Collection method: not provided. Allele origin: germline. Inheritance: Autosomal recessive inheritance. Affected: yes.

PreventionGenetics, part of Exact Sciences
Classification: Likely benign for VPS13D-related condition. Last evaluated: 2019-10-28. Review status: no assertion criteria provided. Collection method: clinical testing. Allele origin: germline. Not counted in ClinVar's aggregate classification.
Comment: This variant is classified as likely benign based on ACMG/AMP sequence variant interpretation guidelines (Richards et al. 2015 PMID: 25741868, with internal and published modifications).